The following is an entry in ClinVar:

NM_001377.3(DYNC2H1):c.7441C>T (p.Arg2481Ter)

Gene: DYNC2H1 (dynein cytoplasmic 2 heavy chain 1; plus strand). Cytogenetic location: 11q22.3.
Variant type: single nucleotide variant.
Coding change: c.7441C>T on transcript NM_001377.3 (MANE Select); coding-DNA position 7441, C replaced by T.
Protein change: p.Arg2481Ter; replaces arginine 2481 with a stop codon.
Molecular consequence: nonsense.
Genome position (GRCh38, 1-based): chr11:103,191,520, C>T. VCF-style: chr11-103191520-C-T. GRCh37 (hg19) VCF-style: chr11-103062249-C-T.
Other names: c.7441C>T, p.Arg2481Ter (NM_001080463.2); short protein forms R2481*.
Identifiers: ClinVar variation 446605 (VCV000446605.20), dbSNP rs537704873, ClinGen allele CA6254239.
Genomic context (GRCh38, chr11:103,191,520, plus strand): 5'-TAACATGATTATTATTTAAGGCAGTAGAAAGATTGTTTACTGTATTTTCTTTTTCAGGTG[C>T]GAGCCAAATTTACAGTTGATGATTATAGTCACTATTTCTTTACTCCTTGCATTCTTACCC-3'

ClinVar aggregate classification (germline): Pathogenic/Likely pathogenic. Review status: criteria provided, multiple submitters, no conflicts (2 of 4 stars). 10 submissions from 10 submitters: Pathogenic (4); Likely pathogenic (4). 2 of the submissions do not count toward it. Last evaluated 2024-07-30.

Conditions:
Jeune thoracic dystrophy. Also called: Short-rib thoracic dysplasia; Jeune syndrome; Infantile thoracic dystrophy; Thoracic pelvic phalangeal dystrophy; Jeune's syndrome; Chondroectodermal dysplasia-like syndrome. Identifiers: Orphanet 474, MedGen C0265275, MONDO:0018770.
DYNC2H1-related disorder. Also called: DYNC2H1-related disorders; DYNC2H1-related condition. Identifiers: MedGen CN378770.
Asphyxiating thoracic dystrophy 3. Also called: SHORT-RIB THORACIC DYSPLASIA 3 WITH OR WITHOUT POLYDACTYLY; POLYDACTYLY WITH NEONATAL CHONDRODYSTROPHY, TYPE I; SHORT-RIB THORACIC DYSPLASIA 3/6 WITH POLYDACTYLY, DIGENIC; Saldino-Noonan Syndrome; Short rib polydactyly syndrome 2B. Identifiers: Orphanet 474, Orphanet 93269, Orphanet 93270, Orphanet 93271, MedGen C0036069, MONDO:0013127, OMIM 613091.

Allele frequency attached by ClinVar (database versions not stated): ExAC 0.00007; gnomAD 0.00001; TOPMed 0.00001; gnomAD exomes 0.00002; 1000 Genomes Project 30x 0.00031; 1000 Genomes Project 0.00040.
gnomAD v4.1: 28 of 1,599,040 alleles (0.0018%); highest among the groups gnomAD compares: South Asian, 0.0023%; 1 homozygote.

Submissions (10):

Labcorp Genetics (formerly Invitae), Labcorp
Classification: Pathogenic for Jeune thoracic dystrophy. Last evaluated: 2024-07-30. Review status: criteria provided, single submitter. Criteria: Invitae Variant Classification Sherloc (09022015). Collection method: clinical testing. Allele origin: germline.
Comment: This sequence change creates a premature translational stop signal (p.Arg2481*) in the DYNC2H1 gene. It is expected to result in an absent or disrupted protein product. Loss-of-function variants in DYNC2H1 are known to be pathogenic (PMID: 23339108, 32753734, 33755199). The frequency data for this variant in the population databases is considered unreliable, as metrics indicate poor data quality at this position in the gnomAD database. This premature translational stop signal has been observed in individual(s) with asphyxiating thoracic dystrophy (PMID: 29068549). ClinVar contains an entry for this variant (Variation ID: 446605). Algorithms developed to predict the effect of sequence changes on RNA splicing suggest that this variant may disrupt the consensus splice site. For these reasons, this variant has been classified as Pathogenic.

Myriad Genetics, Inc.
Classification: Pathogenic for Asphyxiating thoracic dystrophy 3. Last evaluated: 2024-05-14. Review status: criteria provided, single submitter. Criteria: Myriad Autosomal Dominant, Autosomal Recessive and X-Linked Classification Criteria (2023). Collection method: clinical testing. Allele origin: unknown.
Comment: NM_001377.2(DYNC2H1):c.7441C>T(R2481*) is expected to be pathogenic in the context of DYNC2H1-related disorders. This variant is predicted to lead to an abnormal or absent protein product due to the creation of a premature termination codon in DYNC2H1, a gene where loss-of-function variants are known to be pathogenic. Please note: this variant was assessed in the context of healthy population screening.

Fulgent Genetics
Classification: Likely pathogenic for Asphyxiating thoracic dystrophy 3. Last evaluated: 2024-05-04. Review status: criteria provided, single submitter. Criteria: ACMG Guidelines, 2015. Collection method: clinical testing. Allele origin: germline.

Daryl Scott Lab, Baylor College of Medicine
Classification: Likely pathogenic for Asphyxiating thoracic dystrophy 3. Last evaluated: 2024-04-01. Review status: criteria provided, single submitter. Criteria: ACMG Guidelines, 2015. Collection method: clinical testing. Allele origin: maternal. Observed: 1 compound heterozygote.
Comment: PVS1, PS4

Genomic Medicine Center of Excellence, King Faisal Specialist Hospital and Research Centre
Classification: Pathogenic for Asphyxiating thoracic dystrophy 3. Last evaluated: 2024-03-26. Review status: criteria provided, single submitter. Criteria: ACMG Guidelines, 2015. Collection method: clinical testing. Allele origin: germline.

Blueprint Genetics
Classification: Likely pathogenic for DYNC2H1-related disorders. Last evaluated: 2023-08-17. Review status: criteria provided, single submitter. Criteria: ACMG Guidelines, 2015. Collection method: clinical testing. Allele origin: germline. Affected: yes. Observed: 4 variant alleles.

Department of Pathology and Laboratory Medicine, Sinai Health System
Classification: Likely pathogenic for Asphyxiating thoracic dystrophy 3. Last evaluated: 2022-11-19. Review status: criteria provided, single submitter. Criteria: ACMG Guidelines, 2015. Collection method: research. Allele origin: germline.

ARUP Laboratories, Molecular Genetics and Genomics, ARUP Laboratories
Classification: Pathogenic. Last evaluated: 2019-01-17. Review status: criteria provided, single submitter. Criteria: ARUP Molecular Germline Variant Investigation Process. Collection method: clinical testing. Allele origin: germline.
Comment: The DYNC2H1 c.7441C>T; p.Arg2481Ter variant (rs537704873) has been described in the compound heterozygous state in at least one individual affected with asphyxiating thoracic dystrophy (ATD; Zhang 2018). It contains an entry in ClinVar (Variation ID: 446605), and is observed in the general population at a low overall frequency of 0.002% (5/230370 alleles, 1 homozygote) in the Genome Aggregation Database. This variant induces an early termination codon and is predicted to result in a truncated protein or mRNA subject to nonsense-mediated decay. Additionally, several downstream truncating variants have been described in association with ATD (Dagoneau 2009, Schmidts 2013, Zhang 2018). Based on available information, the p.Arg2481Ter variant is considered pathogenic. REFERENCES Dagoneau N et al. DYNC2H1 mutations cause asphyxiating thoracic dystrophy and short rib-polydactyly syndrome, type III. Am J Hum Genet. 2009 May;84(5):706-11. Schmidts M et al. Exome sequencing identifies DYNC2H1 mutations as a common cause of asphyxiating thoracic dystrophy (Jeune syndrome) without major polydactyly, renal or retinal involvement. J Med Genet. 2013 May;50(5):309-23. Zhang W et al. Expanding the genetic architecture and phenotypic spectrum in the skeletal ciliopathies. Hum Mutat. 2018 Jan;39(1):152-166.

Dan Cohn Lab, University Of California Los Angeles
Classification: Pathogenic for Asphyxiating thoracic dystrophy. Last evaluated: 2017-06-01. Review status: no assertion criteria provided. Collection method: research. Allele origin: unknown. Affected: yes. Not counted in ClinVar's aggregate classification.

University of Washington Center for Mendelian Genomics, University of Washington
Classification: Likely pathogenic for asphyxiating thoracic dystrophy. Review status: no assertion criteria provided. Collection method: research. Allele origin: inherited. Affected: yes. Not counted in ClinVar's aggregate classification.

Literature cited by the submitters: PubMed 23339108 (cited by Labcorp Genetics (formerly Invitae), Labcorp); PubMed 32753734 (cited by Labcorp Genetics (formerly Invitae), Labcorp); PubMed 33755199 (cited by Labcorp Genetics (formerly Invitae), Labcorp); PubMed 29068549 (cited by 3 submitters).